The following is an entry in ClinVar:

NM_000218.3(KCNQ1):c.19C>T (p.Pro7Ser)

Gene: KCNQ1 (potassium voltage-gated channel subfamily Q member 1; plus strand). Cytogenetic location: 11p15.5.
Variant type: single nucleotide variant.
Coding change: c.19C>T on transcript NM_000218.3 (MANE Select); coding-DNA position 19, C replaced by T.
Protein change: p.Pro7Ser; replaces proline 7 with serine.
Molecular consequence: missense variant.
Genome position (GRCh38, 1-based): chr11:2,445,117, C>T. VCF-style: chr11-2445117-C-T. GRCh37 (hg19) VCF-style: chr11-2466347-C-T.
Other names: c.19C>T (LRG_287t1); short protein forms P7S.
Identifiers: ClinVar variation 53028 (VCV000053028.39), dbSNP rs199473443, ClinGen allele CA006651.

ClinVar aggregate classification (germline): Conflicting classifications of pathogenicity. Review status: criteria provided, conflicting classifications (1 of 4 stars). 11 submissions from 11 submitters: Uncertain significance (9); Benign (1). 1 of the submissions does not count toward it. Last evaluated 2026-05-26.

Conditions:
Cardiovascular phenotype. Identifiers: MedGen CN230736.
KCNQ1-related disorder. Also called: KCNQ1-related condition; KCNQ1-related disorders. Identifiers: MedGen CN239322.
Familial long QT syndrome (RWS). Also called: Congenital long QT syndrome; Romano-Ward syndrome; VENTRICULAR FIBRILLATION WITH PROLONGED QT INTERVAL. Identifiers: Orphanet 768, MedGen C1141890, MONDO:0019171.
Atrial fibrillation, familial, 3 (ATFB3). Identifiers: MedGen C1837014, MONDO:0011857, OMIM 607554.
Long QT syndrome 1 (LQT1). Identifiers: Orphanet 101016, Orphanet 768, MedGen C4551647, MONDO:0100316, OMIM 192500, MONDO:0008646.
Beckwith-Wiedemann syndrome (BWS). Also called: Exomphalos macroglossia gigantism syndrome; EMG SYNDROME. Identifiers: Orphanet 116, MedGen C0004903, MONDO:0007534, OMIM 130650.
Jervell and Lange-Nielsen syndrome 1 (JLNS1). Also called: CARDIOAUDITORY SYNDROME OF JERVELL AND LANGE-NIELSEN; DEAFNESS, CONGENITAL, AND FUNCTIONAL HEART DISEASE; PROLONGED QT INTERVAL IN EKG AND SUDDEN DEATH; SURDO-CARDIAC SYNDROME. Identifiers: Orphanet 768, Orphanet 90647, MedGen C4551509, MONDO:0024540, OMIM 220400.
Short QT syndrome type 2. Identifiers: Orphanet 51083, MedGen C1865019, MONDO:0012313, OMIM 609621.
Long QT syndrome (LQTS). Identifiers: MedGen C0023976, MeSH D008133, MONDO:0002442. Disease mechanism: loss of function. Inheritance: Various modes of inheritance.

Allele frequency attached by ClinVar (database versions not stated): gnomAD 0.00017 and 0.00018; TOPMed 0.00014; gnomAD exomes 0.00035.

Submissions (11):

Women's Health and Genetics/Laboratory Corporation of America, LabCorp
Classification: Uncertain significance. Last evaluated: 2026-05-26. Review status: criteria provided, single submitter. Criteria: LabCorp Variant Classification Summary - May 2015. Collection method: clinical testing. Allele origin: germline.
Comment: Variant summary: KCNQ1 c.19C>T (p.Pro7Ser) results in a non-conservative amino acid change in the encoded protein sequence. Algorithms developed to predict the effect of missense changes on protein structure and function are either unavailable or do not agree on the potential impact of this missense change. The variant allele was found at a frequency of 0.00016 in 32086 control chromosomes. c.19C>T has been observed in individuals affected with KCNQ1-related conditions (Johnson_2008, Thompson_2018, Yoneda_2021, Saeidian_2024). These data indicate that the variant may be associated with disease. To our knowledge, no experimental evidence demonstrating an impact on protein function has been reported. The following publications have been ascertained in the context of this evaluation (PMID: 18452873, 39096151, 29790872, 34495297). ClinVar contains an entry for this variant (Variation ID: 53028). Based on the evidence outlined above, the variant was classified as VUS-possibly pathogenic.

Labcorp Genetics (formerly Invitae), Labcorp
Classification: Benign for Long QT syndrome. Last evaluated: 2026-01-31. Review status: criteria provided, single submitter. Criteria: Invitae Variant Classification Sherloc (09022015). Collection method: clinical testing. Allele origin: germline.

PreventionGenetics, part of Exact Sciences
Classification: Uncertain significance for KCNQ1-related condition. Last evaluated: 2026-01-27. Review status: criteria provided, single submitter. Criteria: ACMG Guidelines, 2015. Collection method: clinical testing. Allele origin: germline.
Comment: The KCNQ1 c.19C>T variant is predicted to result in the amino acid substitution p.Pro7Ser. This variant was reported in four individuals with long QT syndrome, although conclusive evidence of pathogenicity was not presented (Johnson et al. 2008. PubMed ID: 18452873; Thompson et al. 2018. PubMed ID: 29790872; eTable 2, Yoneda et al. 2021. PubMed ID: 34495297; Table S16, Jensson et al. 2023. PubMed ID: 37937776). This variant is reported in 0.025% of alleles in individuals of European (Non-Finnish) descent in gnomAD. At this time, the clinical significance of this variant is uncertain due to the absence of conclusive functional and genetic evidence.

Blueprint Genetics
Classification: Uncertain significance. Last evaluated: 2024-10-09. Review status: criteria provided, single submitter. Criteria: ACMG Guidelines, 2015. Collection method: clinical testing. Allele origin: germline.

CeGaT Center for Human Genetics Tuebingen
Classification: Uncertain significance. Last evaluated: 2024-01-01. Review status: criteria provided, single submitter. Criteria: CeGaT Center For Human Genetics Tuebingen Variant Classification Criteria Version 2. Collection method: clinical testing. Allele origin: germline. Affected: yes. Observed: 1 variant allele.
Comment: KCNQ1: PS4:Moderate, PM2:Supporting, PP2, PP3

Ambry Genetics
Classification: Uncertain significance for Cardiovascular phenotype. Last evaluated: 2021-11-16. Review status: criteria provided, single submitter. Criteria: Ambry Variant Classification Scheme 2023. Collection method: clinical testing. Allele origin: germline.

Fulgent Genetics
Classification: Uncertain significance for Beckwith-Wiedemann syndrome; Long QT syndrome 1; Jervell and Lange-Nielsen syndrome 1; Atrial fibrillation, familial, 3; Short QT syndrome type 2. Last evaluated: 2021-11-09. Review status: criteria provided, single submitter. Criteria: ACMG Guidelines, 2015. Collection method: clinical testing. Allele origin: unknown.

HudsonAlpha Institute for Biotechnology
Classification: Uncertain significance for Long QT syndrome 1. Last evaluated: 2021-09-02. Review status: criteria provided, single submitter. Criteria: HA_assertions_20150911. Collection method: research. Allele origin: unknown, paternal. Observed: 2 variant alleles. Study: CSER-HudsonAlpha.

AiLife Diagnostics
Classification: Uncertain significance. Last evaluated: 2021-08-25. Review status: criteria provided, single submitter. Criteria: ACMG Guidelines, 2015. Collection method: clinical testing. Allele origin: germline. Affected: yes. Observed: 1 variant allele.

Laboratory for Molecular Medicine, Mass General Brigham Personalized Medicine
Classification: Uncertain significance. Last evaluated: 2016-10-13. Review status: criteria provided, single submitter. Criteria: LMM Criteria. Collection method: clinical testing. Allele origin: germline.
Comment: Variant identified in a genome or exome case(s) and assessed due to predicted null impact of the variant or pathogenic assertions in the literature or databases. Disclaimer: This variant has not undergone full assessment. The following are preliminary notes: Variant not reported in ExAC but has been reported in 1 affected individual (LQTS). In ClinVar without clinical assertion - 2 submitters (no stars).

Cardiovascular Biomedical Research Unit, Royal Brompton & Harefield NHS Foundation Trust
No classification provided. Condition: Familial long QT syndrome. Review status: no classification provided. Collection method: literature only. Allele origin: germline. Not counted in ClinVar's aggregate classification.
Comment: This variant has been reported as associated with Long QT syndrome in the following publications (PMID:18452873;PMID:19716085;PMID:19862833). This is a literature report, and does not necessarily reflect the clinical interpretation of the Imperial College / Royal Brompton Cardiovascular Genetics laboratory.

Literature cited by the submitters: PubMed 18452873 (cited by 3 submitters); PubMed 29790872 (cited by Women's Health and Genetics/Laboratory Corporation of America, LabCorp and AiLife Diagnostics); PubMed 34495297 (cited by Women's Health and Genetics/Laboratory Corporation of America, LabCorp); PubMed 39096151 (cited by Women's Health and Genetics/Laboratory Corporation of America, LabCorp); PubMed 19716085 (cited by Cardiovascular Biomedical Research Unit, Royal Brompton & Harefield NHS Foundation Trust); PubMed 19862833 (cited by Cardiovascular Biomedical Research Unit, Royal Brompton & Harefield NHS Foundation Trust); PubMed 22581653 (cited by Cardiovascular Biomedical Research Unit, Royal Brompton & Harefield NHS Foundation Trust).